The following is an entry in ClinVar:

NM_001267550.2(TTN):c.2370+3G>A

Gene: TTN (titin; minus strand). Cytogenetic location: 2q31.2.
Variant type: single nucleotide variant.
Coding change: c.2370+3G>A on transcript NM_001267550.2 (MANE Select); 3 bases into the intron after coding-DNA position 2370, G replaced by A.
Molecular consequence: intron variant.
Genome position (GRCh38, 1-based): chr2:178,785,845, C>T on the plus strand (G>A on the coding strand, the complement: TTN is on the minus strand). VCF-style: chr2-178785845-C-T. GRCh37 (hg19) VCF-style: chr2-179650572-C-T.
Other names: c.2232+3G>A (NM_003319.4, NM_133437.4, NM_133432.3); c.2370+3G>A (NM_133378.4, NM_001256850.1, NM_133379.5).
Identifiers: ClinVar variation 1517941 (VCV001517941.8), dbSNP rs377577258, ClinGen allele CA2005847.
Genomic context (GRCh38, chr2:178,785,845, plus strand): 5'-GACCACAGCAGTGAGGCTTGCTTTACCATGAACAAGGTGAAAAATCAGCAGGTATAGACT[C>T]ACCTGTGATGATATGTGCATTCCCTTTTGATCAGTAGTTTTGATATGAGTCTCAGAAGGA-3'

ClinVar aggregate classification (germline): Uncertain significance (1 of 4 stars; one submission).

Conditions:
Dilated cardiomyopathy 1G (CMD1G). Identifiers: Orphanet 154, MedGen C1858763, MONDO:0011400, OMIM 604145.
Autosomal recessive limb-girdle muscular dystrophy type 2J (LGMDR10). Also called: Limb-girdle muscular dystrophy, type 2J; MUSCULAR DYSTROPHY, LIMB-GIRDLE, AUTOSOMAL RECESSIVE 10. Identifiers: Orphanet 140922, MedGen C1837342, MONDO:0012127, OMIM 608807.

Allele frequency attached by ClinVar (database versions not stated): gnomAD exomes below 0.00001; TOPMed below 0.00001; ExAC 0.00001; gnomAD 0.00001; ESP Exome Variant Server 0.00008.
gnomAD v4.1: 1 of 1,613,994 alleles (0.000062%); highest among the groups gnomAD compares: Non-Finnish European, 0.000085%; no homozygotes.

Submission:

Labcorp Genetics (formerly Invitae), Labcorp
Classification: Uncertain significance for Dilated cardiomyopathy 1G; Autosomal recessive limb-girdle muscular dystrophy type 2J. Last evaluated: 2022-10-18. Review status: criteria provided, single submitter. Criteria: Invitae Variant Classification Sherloc (09022015). Collection method: clinical testing. Allele origin: germline.
Comment: Variants that disrupt the consensus splice site are a relatively common cause of aberrant splicing (PMID: 17576681, 9536098). Algorithms developed to predict the effect of sequence changes on RNA splicing suggest that this variant may disrupt the consensus splice site. This sequence change falls in intron 14 of the TTN gene. It does not directly change the encoded amino acid sequence of the TTN protein. It affects a nucleotide within the consensus splice site. This variant is present in population databases (rs377577258, gnomAD 0.0009%). This variant has not been reported in the literature in individuals affected with TTN-related conditions. ClinVar contains an entry for this variant (Variation ID: 1517941). This variant is located in the Z band of TTN (PMID: 25589632). Variants in this region may be clinically relevant, but have not been definitively shown to cause cardiomyopathy or neuromuscular disease (PMID: 27493940, 32778822). In summary, the available evidence is currently insufficient to determine the role of this variant in disease. Therefore, it has been classified as a Variant of Uncertain Significance.

Literature cited by the submitters: PubMed 17576681; PubMed 9536098; PubMed 25589632; PubMed 27493940; PubMed 32778822.